The following is an entry in ClinVar:

ClinVar aggregate classification (germline): Pathogenic. Review status: criteria provided, single submitter (1 of 4 stars). 2 submissions from 2 submitters: Pathogenic (1). 1 of the submissions does not count toward it. Last evaluated 2026-06-29.

Conditions:
Intellectual developmental disorder, autosomal dominant 50, with behavioral abnormalities. Also called: MENTAL RETARDATION, AUTOSOMAL DOMINANT 50; Intellectual disability, autosomal dominant 50. Identifiers: MedGen C4540470, MONDO:0030916, OMIM 617787.

Allele frequency attached by ClinVar (database versions not stated): gnomAD exomes below 0.00001.
gnomAD v4.1: 1 of 1,599,798 alleles (0.000063%); highest among the groups gnomAD compares: Non-Finnish European, 0.000085%; no homozygotes.

Submissions (2):

GeneDx
Classification: Pathogenic. Last evaluated: 2026-06-29. Review status: criteria provided, single submitter. Criteria: GeneDx Variant Classification Process June 2021. Collection method: clinical testing. Allele origin: germline.
Comment: Canonical splice site variant predicted to result in a null allele in a gene for which loss of function is a known mechanism of disease; Not observed at significant frequency in large population cohorts (gnomAD); This variant is associated with the following publications: (PMID: 41613032)

Biochemical Molecular Genetic Laboratory, King Abdulaziz Medical City
Classification: Likely pathogenic for Intellectual developmental disorder, autosomal dominant 50, with behavioral abnormalities. Last evaluated: 2019-08-25. Review status: no assertion criteria provided. Collection method: clinical testing. Allele origin: germline. Affected: yes. Not counted in ClinVar's aggregate classification.

NM_057175.5(NAA15):c.691+1G>A

Gene: NAA15 (N-alpha-acetyltransferase 15, NatA auxiliary subunit; plus strand). Cytogenetic location: 4q31.1.
Variant type: single nucleotide variant.
Coding change: c.691+1G>A on transcript NM_057175.5 (MANE Select); the canonical splice donor site of the intron after coding-DNA position 691, G replaced by A.
Molecular consequence: splice donor variant.
Genome position (GRCh38, 1-based): chr4:139,344,340, G>A. VCF-style: chr4-139344340-G-A. GRCh37 (hg19) VCF-style: chr4-140265494-G-A.
Other names: c.691+1G>A (NM_001410842.1).
Identifiers: ClinVar variation 800817 (VCV000800817.3), dbSNP rs1579109565, ClinGen allele CA358260886.
Genomic context (GRCh38, chr4:139,344,340, plus strand): 5'-AACATCTTTGTACCTATGAAAAGCAGATTTGTGATAAACTTGCTGTAGAAGAAACCAAAG[G>A]TATTTTTAAAAGAATTGTCATTTATTCTAATATTGAAATATGACAGAGCAAGGCTGAAAA-3'